The following is an entry in ClinVar:

ClinVar aggregate classification (germline): Likely benign (1 of 4 stars; one submission).

Allele frequency attached by ClinVar (database versions not stated): ExAC below 0.00001; gnomAD exomes below 0.00001.
gnomAD v4.1: 5 of 1,523,366 alleles (0.00033%); highest among the groups gnomAD compares: Non-Finnish European, 0.00044%; no homozygotes.

Submission:

GeneDx
Classification: Likely benign. Last evaluated: 2016-05-02. Review status: criteria provided, single submitter. Criteria: GeneDx Variant Classification (06012015). Collection method: clinical testing. Allele origin: germline. Affected: yes.
Comment: This variant is considered likely benign or benign based on one or more of the following criteria: it is a conservative change, it occurs at a poorly conserved position in the protein, it is predicted to be benign by multiple in silico algorithms, and/or has population frequency not consistent with disease.

NM_004360.5(CDH1):c.-39C>T

Genes: CDH1 (cadherin 1; plus strand), LOC130059290 (ATAC-STARR-seq lymphoblastoid silent region 7650; plus strand). Cytogenetic location: 16q22.1.
Variant type: single nucleotide variant.
Coding change: c.-39C>T on transcript NM_004360.5 (MANE Select); 39 bases upstream of the start codon, C replaced by T.
Molecular consequence: 5 prime UTR variant.
Genome position (GRCh38, 1-based): chr16:68,737,377, C>T. VCF-style: chr16-68737377-C-T. GRCh37 (hg19) VCF-style: chr16-68771280-C-T.
Other names: c.-39C>T (LRG_301t1, NM_001317184.2); c.-1654C>T (NM_001317185.2); c.-1858C>T (NM_001317186.2).
Identifiers: ClinVar variation 385884 (VCV000385884.1), dbSNP rs778538635, ClinGen allele CA8129769.